The following is an entry in ClinVar:

NM_015557.3(CHD5):c.2613G>C (p.Lys871Asn)

Gene: CHD5 (chromodomain helicase DNA binding protein 5; minus strand). Cytogenetic location: 1p36.31.
Variant type: single nucleotide variant.
Coding change: c.2613G>C on transcript NM_015557.3 (MANE Select); coding-DNA position 2613, G replaced by C.
Protein change: p.Lys871Asn; replaces lysine 871 with asparagine.
Molecular consequence: missense variant.
Genome position (GRCh38, 1-based): chr1:6,136,600, C>G on the plus strand (G>C on the coding strand, the complement: CHD5 is on the minus strand). VCF-style: chr1-6136600-C-G. GRCh37 (hg19) VCF-style: chr1-6196660-C-G.
Other names: short protein forms K871N.
Identifiers: ClinVar variation 3031875 (VCV003031875.2), dbSNP rs1557548322, ClinGen allele CA338079188.

ClinVar aggregate classification (germline): Uncertain significance (0 of 4 stars; one submission).

Conditions:
CHD5-related disorder. Also called: CHD5-related condition.

Submission:

PreventionGenetics, part of Exact Sciences
Classification: Uncertain significance for CHD5-related condition. Last evaluated: 2023-11-27. Review status: no assertion criteria provided. Collection method: clinical testing. Allele origin: germline.
Comment: The CHD5 c.2613G>C variant is predicted to result in the amino acid substitution p.Lys871Asn. To our knowledge, this variant has not been reported in the literature or in a large population database, indicating this variant is rare. At this time, the clinical significance of this variant is uncertain due to the absence of conclusive functional and genetic evidence.